The following is an entry in ClinVar:

NM_001009944.3(PKD1):c.9969C>T (p.Val3323=)

Gene: PKD1 (polycystin 1, transient receptor potential channel interacting; minus strand). Cytogenetic location: 16p13.3.
Variant type: single nucleotide variant.
Coding change: c.9969C>T on transcript NM_001009944.3 (MANE Select); coding-DNA position 9969, C replaced by T.
Protein change: p.Val3323=; no amino-acid change (valine 3323 retained).
Molecular consequence: synonymous variant.
Genome position (GRCh38, 1-based): chr16:2,099,725, G>A on the plus strand (C>T on the coding strand, the complement: PKD1 is on the minus strand). VCF-style: chr16-2099725-G-A. GRCh37 (hg19) VCF-style: chr16-2149726-G-A.
Other names: c.9969C>T, p.Val3323= (NM_000296.4).
Identifiers: ClinVar variation 3049431 (VCV003049431.2), dbSNP rs769133682, ClinGen allele CA7829870.

ClinVar aggregate classification (germline): Likely benign (0 of 4 stars; one submission).

Conditions:
PKD1-related disorder. Also called: PKD1-related condition.

Allele frequency attached by ClinVar (database versions not stated): TOPMed 0.00004; gnomAD 0.00007; ExAC 0.00057.
gnomAD v4.1: 122 of 1,570,820 alleles (0.0078%); highest among the groups gnomAD compares: South Asian, 0.08%; 2 homozygotes.

Submission:

PreventionGenetics, part of Exact Sciences
Classification: Likely benign for PKD1-related condition. Last evaluated: 2019-07-09. Review status: no assertion criteria provided. Collection method: clinical testing. Allele origin: germline.
Comment: This variant is classified as likely benign based on ACMG/AMP sequence variant interpretation guidelines (Richards et al. 2015 PMID: 25741868, with internal and published modifications).